The following is an entry in ClinVar:

NM_001134363.3(RBM20):c.691T>A (p.Tyr231Asn)

Gene: RBM20 (RNA binding motif protein 20; plus strand). Cytogenetic location: 10q25.2.
Variant type: single nucleotide variant.
Coding change: c.691T>A on transcript NM_001134363.3 (MANE Select); coding-DNA position 691, T replaced by A.
Protein change: p.Tyr231Asn; replaces tyrosine 231 with asparagine.
Molecular consequence: missense variant.
Genome position (GRCh38, 1-based): chr10:110,781,300, T>A. VCF-style: chr10-110781300-T-A. GRCh37 (hg19) VCF-style: chr10-112541058-T-A.
Other names: c.691T>A (NM_001134363.1); short protein forms Y231N.
Identifiers: ClinVar variation 1352277 (VCV001352277.7), dbSNP rs1564843957, ClinGen allele CA378382285.

ClinVar aggregate classification (germline): Conflicting classifications of pathogenicity. Review status: criteria provided, conflicting classifications (1 of 4 stars). 2 submissions from 2 submitters: Uncertain significance (1); Likely benign (1). Last evaluated 2025-06-02.

Conditions:
Cardiovascular phenotype. Identifiers: MedGen CN230736.
Dilated cardiomyopathy 1DD (CMD1DD). Identifiers: Orphanet 154, MedGen C2750995, MONDO:0013168, OMIM 613172.

Allele frequency attached by ClinVar (database versions not stated): gnomAD exomes below 0.00001 and 0.00001; TOPMed below 0.00001.
gnomAD v4.1: 4 of 1,551,628 alleles (0.00026%); highest among the groups gnomAD compares: Non-Finnish European, 0.00026%; no homozygotes.

Submissions (2):

Labcorp Genetics (formerly Invitae), Labcorp
Classification: Likely benign for Dilated cardiomyopathy 1DD. Last evaluated: 2025-06-02. Review status: criteria provided, single submitter. Criteria: Invitae Variant Classification Sherloc (09022015). Collection method: clinical testing. Allele origin: germline.

Ambry Genetics
Classification: Uncertain significance for Cardiovascular phenotype. Last evaluated: 2025-02-09. Review status: criteria provided, single submitter. Criteria: Ambry Variant Classification Scheme 2023. Collection method: clinical testing. Allele origin: germline.
Comment: The p.Y231N variant (also known as c.691T>A), located in coding exon 2 of the RBM20 gene, results from a T to A substitution at nucleotide position 691. The tyrosine at codon 231 is replaced by asparagine, an amino acid with dissimilar properties. This amino acid position is conserved. In addition, this alteration is predicted to be deleterious by in silico analysis. Based on the available evidence, the clinical significance of this variant remains unclear.